The following is an entry in ClinVar:

NM_013451.4(MYOF):c.4015G>A (p.Glu1339Lys)

Gene: MYOF (myoferlin; minus strand). Cytogenetic location: 10q23.33.
Variant type: single nucleotide variant.
Coding change: c.4015G>A on transcript NM_013451.4 (MANE Select); coding-DNA position 4015, G replaced by A.
Protein change: p.Glu1339Lys; replaces glutamic acid 1339 with lysine.
Molecular consequence: missense variant.
Genome position (GRCh38, 1-based): chr10:93,349,876, C>T on the plus strand (G>A on the coding strand, the complement: MYOF is on the minus strand). VCF-style: chr10-93349876-C-T. GRCh37 (hg19) VCF-style: chr10-95109633-C-T.
Other names: c.3976G>A, p.Glu1326Lys (NM_133337.3); short protein forms E1326K, E1339K.
Identifiers: ClinVar variation 3038955 (VCV003038955.2), dbSNP rs201086819, ClinGen allele CA5607321.

ClinVar aggregate classification (germline): Likely benign (0 of 4 stars; one submission).

Conditions:
MYOF-related disorder. Also called: MYOF-related condition.

Allele frequency attached by ClinVar (database versions not stated): ESP Exome Variant Server 0.00059; TOPMed 0.00070; ExAC 0.00094; gnomAD 0.00101; 1000 Genomes Project 0.00120; 1000 Genomes Project 30x 0.00141.
gnomAD v4.1: 1,823 of 1,614,060 alleles (0.11%); highest among the groups gnomAD compares: Middle Eastern, 1.2%; 5 homozygotes.

Submission:

PreventionGenetics, part of Exact Sciences
Classification: Likely benign for MYOF-related condition. Last evaluated: 2019-08-27. Review status: no assertion criteria provided. Collection method: clinical testing. Allele origin: germline.
Comment: This variant is classified as likely benign based on ACMG/AMP sequence variant interpretation guidelines (Richards et al. 2015 PMID: 25741868, with internal and published modifications).